The following is an entry in ClinVar:

NM_001098537.3(PNPLA7):c.1191C>T (p.Pro397=)

Gene: PNPLA7 (patatin like domain 7, lysophospholipase; minus strand). Cytogenetic location: 9q34.3.
Variant type: single nucleotide variant.
Coding change: c.1191C>T on transcript NM_001098537.3 (MANE Select); coding-DNA position 1191, C replaced by T.
Protein change: p.Pro397=; no amino-acid change (proline 397 retained).
Molecular consequence: synonymous variant.
Genome position (GRCh38, 1-based): chr9:137,515,413, G>A on the plus strand (C>T on the coding strand, the complement: PNPLA7 is on the minus strand). VCF-style: chr9-137515413-G-A. GRCh37 (hg19) VCF-style: chr9-140409865-G-A.
Other names: c.1116C>T, p.Pro372= (NM_152286.5).
Identifiers: ClinVar variation 2659827 (VCV002659827.24), dbSNP rs145715625, ClinGen allele CA5371992.
Genomic context (GRCh38, chr9:137,515,413, plus strand): 5'-GCTGGGCAGCCGTCGAGGTTCTTTACCTTGTGGGGCCGAAGGGTCAGGGTCACCTGCCCC[G>A]GGCTTCTCCAGCTCCTCCAAGATCTGTTTGCGAATGGAAGGCGCGGGGACGGAGTGGCTC-3'
Protein context (NP_001092007.2, residues 387-407): RKQILEELEK[Pro397=]GAGDPDPSAP

ClinVar aggregate classification (germline): Likely benign (1 of 4 stars; one submission).

Allele frequency attached by ClinVar (database versions not stated): 1000 Genomes Project 0.00080; 1000 Genomes Project 30x 0.00109; TOPMed 0.00302; gnomAD 0.00320; ESP Exome Variant Server 0.00386; ExAC 0.00427.
gnomAD v4.1: 9,100 of 1,603,952 alleles (0.57%); highest among the groups gnomAD compares: Non-Finnish European, 0.74%; 35 homozygotes.

Submission:

CeGaT Center for Human Genetics Tuebingen
Classification: Likely benign. Last evaluated: 2022-09-01. Review status: criteria provided, single submitter. Criteria: CeGaT Center For Human Genetics Tuebingen Variant Classification Criteria Version 2. Collection method: clinical testing. Allele origin: germline. Affected: yes. Observed: 1 variant allele.
Comment: PNPLA7: BP4, BP7